The following is an entry in ClinVar:

NM_000368.5(TSC1):c.507del (p.Gly170fs)

Gene: TSC1 (TSC complex subunit 1; minus strand). Cytogenetic location: 9q34.13.
Variant type: Deletion.
Coding change: c.507del on transcript NM_000368.5 (MANE Select); coding-DNA position 507, one base deleted (A; older notation c.507delA).
Protein change: p.Gly170fs; shifts the reading frame from glycine 170.
Molecular consequence: frameshift variant.
Genome position (GRCh38, 1-based): chr9:132,923,349, T deleted on the plus strand (A on the coding strand, the reverse complement: TSC1 is on the minus strand). VCF-style (leftmost placement, unchanged base first): chr9-132923348-CT-C. GRCh37 (hg19) VCF-style: chr9-135798735-CT-C.
Other names: c.507del, p.Gly170fs (NM_001162426.2); c.354del, p.Gly119fs (NM_001162427.2); c.144del, p.Gly49fs (NM_001362177.2); short protein forms G170fs, G49fs, G119fs.
Identifiers: ClinVar variation 848848 (VCV000848848.7), dbSNP rs1846669447, ClinGen allele CA916081559.

ClinVar aggregate classification (germline): Pathogenic (1 of 4 stars; one submission).

Conditions:
Tuberous sclerosis 1 (TSC1). Identifiers: Orphanet 805, MedGen C1854465, MONDO:0008612, OMIM 191100.

Submission:

Labcorp Genetics (formerly Invitae), Labcorp
Classification: Pathogenic for Tuberous sclerosis 1. Last evaluated: 2019-12-27. Review status: criteria provided, single submitter. Criteria: Invitae Variant Classification Sherloc (09022015). Collection method: clinical testing. Allele origin: germline.
Comment: This variant is not present in population databases (ExAC no frequency). For these reasons, this variant has been classified as Pathogenic. Loss-of-function variants in TSC1 are known to be pathogenic (PMID: 10227394, 17304050). Algorithms developed to predict the effect of sequence changes on RNA splicing suggest that this variant may disrupt the consensus splice site, but this prediction has not been confirmed by published transcriptional studies. This variant has not been reported in the literature in individuals with TSC1-related conditions. This sequence change creates a premature translational stop signal (p.Gly170Alafs*40) in the TSC1 gene. It is expected to result in an absent or disrupted protein product.

Literature cited by the submitters: PubMed 10227394; PubMed 17304050.